The following is an entry in ClinVar:

NM_000246.4(CIITA):c.1814T>G (p.Leu605Arg)

Gene: CIITA (class II major histocompatibility complex transactivator; plus strand). Cytogenetic location: 16p13.13.
Variant type: single nucleotide variant.
Coding change: c.1814T>G on transcript NM_000246.4 (MANE Select); coding-DNA position 1814, T replaced by G.
Protein change: p.Leu605Arg; replaces leucine 605 with arginine.
Molecular consequence: missense variant. On other transcripts: intron variant (1).
Genome position (GRCh38, 1-based): chr16:10,907,306, T>G. VCF-style: chr16-10907306-T-G. GRCh37 (hg19) VCF-style: chr16-11001163-T-G.
Other names: c.1817T>G, p.Leu606Arg (NM_001286402.1, NM_001379332.1); c.1670T>G, p.Leu557Arg (NM_001379330.1); c.1667T>G, p.Leu556Arg (NM_001379331.1); c.1814T>G, p.Leu605Arg (NM_001379333.1); c.1745T>G, p.Leu582Arg (NM_001379334.1); c.860-1677T>G (NM_001286403.2); short protein forms L606R, L605R, L556R, L557R, L582R.
Identifiers: ClinVar variation 638879 (VCV000638879.7), dbSNP rs1482462500, ClinGen allele CA394731816.
Genomic context (GRCh38, chr16:10,907,306, plus strand): 5'-CAGGGATGACAGAGCACCAAGACAGAGCCCTGACGCTCCTCCGGGACCGGCCACTTCTTC[T>G]CAGTCACAGCCACAGCCCTACTTTGTGCCGGGCAGTGTGCCAGCTCTCAGAGGCCCTGCT-3'
Protein context (NP_000237.2, residues 595-615): LTLLRDRPLL[Leu605Arg]SHSHSPTLCR

ClinVar aggregate classification (germline): Uncertain significance. Review status: criteria provided, single submitter (1 of 4 stars). 2 submissions from 2 submitters: Uncertain significance (1). 1 of the submissions does not count toward it. Last evaluated 2021-08-27.

Conditions:
MHC class II deficiency. Also called: Bare lymphocyte syndrome 2; BLS, TYPE II. Identifiers: Orphanet 572, MedGen C5447452, MONDO:0008855.

Allele frequency attached by ClinVar (database versions not stated): TOPMed below 0.00001; gnomAD exomes 0.00001; gnomAD 0.00003.
gnomAD v4.1: 3 of 1,613,516 alleles (0.00019%); highest among the groups gnomAD compares: Non-Finnish European, 0.00025%; no homozygotes.

Submissions (2):

Labcorp Genetics (formerly Invitae), Labcorp
Classification: Uncertain significance for MHC class II deficiency. Last evaluated: 2021-08-27. Review status: criteria provided, single submitter. Criteria: Invitae Variant Classification Sherloc (09022015). Collection method: clinical testing. Allele origin: germline.
Comment: This sequence change replaces leucine with arginine at codon 605 of the CIITA protein (p.Leu605Arg). The leucine residue is moderately conserved and there is a moderate physicochemical difference between leucine and arginine. This variant is not present in population databases (ExAC no frequency). This variant has not been reported in the literature in individuals affected with CIITA-related conditions. Algorithms developed to predict the effect of missense changes on protein structure and function are either unavailable or do not agree on the potential impact of this missense change (SIFT: "Tolerated"; PolyPhen-2: "Possibly Damaging"; Align-GVGD: "Class C0"). In summary, the available evidence is currently insufficient to determine the role of this variant in disease. Therefore, it has been classified as a Variant of Uncertain Significance.

Natera, Inc.
Classification: Uncertain significance for Bare lymphocyte syndrome type II. Last evaluated: 2020-09-16. Review status: no assertion criteria provided. Collection method: clinical testing. Allele origin: germline. Not counted in ClinVar's aggregate classification.